The following is an entry in ClinVar:

NM_032590.5(KDM2B):c.2185G>T (p.Gly729Trp)

Gene: KDM2B (lysine demethylase 2B; minus strand). Cytogenetic location: 12q24.31.
Variant type: single nucleotide variant.
Coding change: c.2185G>T on transcript NM_032590.5 (MANE Select); coding-DNA position 2185, G replaced by T.
Protein change: p.Gly729Trp; replaces glycine 729 with tryptophan.
Molecular consequence: missense variant.
Genome position (GRCh38, 1-based): chr12:121,444,455, C>A on the plus strand (G>T on the coding strand, the complement: KDM2B is on the minus strand). VCF-style: chr12-121444455-C-A. GRCh37 (hg19) VCF-style: chr12-121882258-C-A.
Other names: c.2152G>T, p.Gly718Trp (NM_001439021.1); c.2122G>T, p.Gly708Trp (NM_001439022.1, NM_001439023.1, NM_001439029.1); c.2092G>T, p.Gly698Trp (NM_001439025.1, NM_001439026.1, NM_001005366.2); c.2074G>T, p.Gly692Trp (NM_001439028.1); c.505G>T, p.Gly169Trp (NM_001439032.1); c.2281G>T, p.Gly761Trp (NM_001439014.1, NM_001439015.1); c.2263G>T, p.Gly755Trp (NM_001439016.1); c.2185G>T, p.Gly729Trp (NM_001439017.1, NM_001439018.1); and 1 more; short protein forms G169W, G692W, G698W, G708W, G718W, G724W, G729W, G755W.
Identifiers: ClinVar variation 4085465 (VCV004085465.8).

ClinVar aggregate classification (germline): Uncertain significance (1 of 4 stars; one submission).

Submission:

CeGaT Center for Human Genetics Tuebingen
Classification: Uncertain significance. Last evaluated: 2025-07-01. Review status: criteria provided, single submitter. Criteria: CeGaT Center For Human Genetics Tuebingen Variant Classification Criteria Version 2. Collection method: clinical testing. Allele origin: germline. Affected: yes. Observed: 1 variant allele.
Comment: KDM2B: PM2, PP2, PP3